The following is an entry in ClinVar:

ClinVar aggregate classification (germline): Uncertain significance (1 of 4 stars; one submission).

Conditions:
Early-infantile DEE. Also called: Early infantile epileptic encephalopathy; Ohtahara syndrome; Early infantile epileptic encephalopathy with suppression bursts. Identifiers: Orphanet 1934, MedGen C0393706, MONDO:0800491.

Submission:

Labcorp Genetics (formerly Invitae), Labcorp
Classification: Uncertain significance for Early-infantile DEE. Last evaluated: 2024-05-28. Review status: criteria provided, single submitter. Criteria: Invitae Variant Classification Sherloc (09022015). Collection method: clinical testing. Allele origin: germline.
Comment: This sequence change falls in intron 20 of the SCN1A gene. It does not directly change the encoded amino acid sequence of the SCN1A protein. However, this sequence change falls within a region encompassing a cryptic exon in the SCN1A gene, in which variants have been shown to alter splicing (PMID: 30526861, 34107977). This variant is not present in population databases (gnomAD no frequency). This variant has not been reported in the literature in individuals affected with SCN1A-related conditions. Algorithms developed to predict the effect of sequence changes on RNA splicing suggest that this variant is not likely to affect RNA splicing. In summary, the available evidence is currently insufficient to determine the role of this variant in disease. Therefore, it has been classified as a Variant of Uncertain Significance.

Literature cited by the submitters: PubMed 30526861; PubMed 34107977.

NM_001165963.4(SCN1A):c.4002+2482T>C

Genes: SCN1A (sodium voltage-gated channel alpha subunit 1; minus strand), LOC102724058 (uncharacterized LOC102724058; plus strand). Cytogenetic location: 2q24.3.
Variant type: single nucleotide variant.
Coding change: c.4002+2482T>C on transcript NM_001165963.4 (MANE Select); 2482 bases into the intron after coding-DNA position 4002, T replaced by C.
Molecular consequence: intron variant. On other transcripts: non-coding transcript variant (1).
Genome position (GRCh38, 1-based): chr2:166,007,237, A>G on the plus strand (T>C on the coding strand, the complement: SCN1A is on the minus strand). VCF-style: chr2-166007237-A-G. GRCh37 (hg19) VCF-style: chr2-166863747-A-G.
Other names: c.3969+2482T>C (NM_001353949.2, NM_001353950.2, NM_001353951.2 and 2 more transcripts); c.3918+2482T>C (NM_001353958.2, NM_001353957.2, NM_001165964.3); c.4002+2482T>C (NM_001202435.3, NM_001353948.2); c.3966+2482T>C (NM_001353955.2, NM_001353954.2); c.3915+2482T>C (NM_001353960.2); c.1560+2482T>C (NM_001353961.2).
Identifiers: ClinVar variation 3639495 (VCV003639495.2).